The following is an entry in ClinVar:

NM_001029883.3(PCARE):c.3708del (p.Ser1237fs)

Gene: PCARE (photoreceptor cilium actin regulator; minus strand). Cytogenetic location: 2p23.2.
Variant type: Deletion.
Coding change: c.3708del on transcript NM_001029883.3 (MANE Select); coding-DNA position 3708, one base deleted (G; older notation c.3708delG).
Protein change: p.Ser1237fs; shifts the reading frame from serine 1237.
Molecular consequence: frameshift variant.
Genome position (GRCh38, 1-based): chr2:29,065,028, C deleted on the plus strand (G on the coding strand, the reverse complement: PCARE is on the minus strand); the first of 4 consecutive C bases (chr2:29,065,028-29,065,031); deleting any one gives the same sequence. VCF-style (leftmost placement, unchanged base first): chr2-29065027-TC-T. GRCh37 (hg19) VCF-style: chr2-29287893-TC-T.
Other names: short protein forms S1237fs.
Identifiers: ClinVar variation 1040843 (VCV001040843.7), dbSNP rs756746994, ClinGen allele CA1591844.

ClinVar aggregate classification (germline): Uncertain significance. Review status: criteria provided, multiple submitters, no conflicts (2 of 4 stars). 2 submissions from 2 submitters: Uncertain significance (2). Last evaluated 2023-05-08.

Submissions (2):

Labcorp Genetics (formerly Invitae), Labcorp
Classification: Uncertain significance. Last evaluated: 2023-05-08. Review status: criteria provided, single submitter. Criteria: Invitae Variant Classification Sherloc (09022015). Collection method: clinical testing. Allele origin: germline.
Comment: In summary, the available evidence is currently insufficient to determine the role of this variant in disease. Therefore, it has been classified as a Variant of Uncertain Significance. Experimental studies and prediction algorithms are not available or were not evaluated, and the functional significance of this variant is currently unknown. ClinVar contains an entry for this variant (Variation ID: 1040843). This variant has not been reported in the literature in individuals affected with PCARE-related conditions. This variant is present in population databases (rs756746994, gnomAD 0.003%). This sequence change results in a frameshift in the PCARE gene (p.Ser1237Alafs*77). While this is not anticipated to result in nonsense mediated decay, it is expected to disrupt the last 52 amino acid(s) of the PCARE protein and extend the protein by 24 additional amino acid residues.

Blueprint Genetics
Classification: Uncertain significance. Last evaluated: 2022-03-16. Review status: criteria provided, single submitter. Criteria: ACMG Guidelines, 2015. Collection method: clinical testing. Allele origin: germline.